The following is an entry in ClinVar:

NM_000023.4(SGCA):c.421C>T (p.Arg141Cys)

Gene: SGCA (sarcoglycan alpha; plus strand). Cytogenetic location: 17q21.33.
Variant type: single nucleotide variant.
Coding change: c.421C>T on transcript NM_000023.4 (MANE Select); coding-DNA position 421, C replaced by T.
Protein change: p.Arg141Cys; replaces arginine 141 with cysteine.
Molecular consequence: missense variant. On other transcripts: non-coding transcript variant (1).
Genome position (GRCh38, 1-based): chr17:50,168,409, C>T. VCF-style: chr17-50168409-C-T. GRCh37 (hg19) VCF-style: chr17-48245770-C-T.
Other names: c.421C>T, p.Arg141Cys (NM_001135697.3); short protein forms R141C.
Identifiers: ClinVar variation 2878636 (VCV002878636.3), dbSNP rs35130237, ClinGen allele CA400179839.

ClinVar aggregate classification (germline): Uncertain significance (1 of 4 stars; one submission).

Conditions:
Autosomal recessive limb-girdle muscular dystrophy type 2D (LGMDR3). Also called: DUCHENNE-LIKE AUTOSOMAL RECESSIVE MUSCULAR DYSTROPHY, TYPE 2; ADHALINOPATHY, PRIMARY; MUSCULAR DYSTROPHY, LIMB-GIRDLE, AUTOSOMAL RECESSIVE 3. Identifiers: Orphanet 62, MedGen C2936332, MONDO:0011968, OMIM 608099. Disease mechanism: Affects gamma-sarcoglycan and also disrupts the integrity of the entire sarcoglycan complex..

Submission:

Labcorp Genetics (formerly Invitae), Labcorp
Classification: Uncertain significance for Autosomal recessive limb-girdle muscular dystrophy type 2D. Last evaluated: 2023-12-21. Review status: criteria provided, single submitter. Criteria: Invitae Variant Classification Sherloc (09022015). Collection method: clinical testing. Allele origin: germline.
Comment: This sequence change replaces arginine, which is basic and polar, with cysteine, which is neutral and slightly polar, at codon 141 of the SGCA protein (p.Arg141Cys). The frequency data for this variant in the population databases is considered unreliable, as metrics indicate poor data quality at this position in the gnomAD database. This variant has not been reported in the literature in individuals affected with SGCA-related conditions. Advanced modeling of protein sequence and biophysical properties (such as structural, functional, and spatial information, amino acid conservation, physicochemical variation, residue mobility, and thermodynamic stability) performed at Invitae indicates that this missense variant is not expected to disrupt SGCA protein function with a negative predictive value of 95%. In summary, the available evidence is currently insufficient to determine the role of this variant in disease. Therefore, it has been classified as a Variant of Uncertain Significance.